The following is an entry in ClinVar:

ClinVar aggregate classification (germline): Pathogenic/Likely pathogenic. Review status: criteria provided, multiple submitters, no conflicts (2 of 4 stars). 3 submissions from 3 submitters: Pathogenic (1); Likely pathogenic (2). Last evaluated 2024-10-30.

Conditions:
Lowe syndrome (OCRL). Also called: Oculocerebrorenal Syndrome; LOWE OCULOCEREBRORENAL SYNDROME; PHOSPHATIDYLINOSITOL 4,5-BISPHOSPHATE 5-PHOSPHATASE DEFICIENCY. Identifiers: Orphanet 534, MedGen C0028860, MONDO:0010645, OMIM 309000.
OCRL-related disorder. Also called: OCRL-related condition.
Dent disease type 2. Identifiers: Orphanet 1652, Orphanet 93623, MedGen C1845167, MONDO:0010359, OMIM 300555.

Submissions (3):

Labcorp Genetics (formerly Invitae), Labcorp
Classification: Pathogenic for Lowe syndrome. Last evaluated: 2024-10-30. Review status: criteria provided, single submitter. Criteria: Invitae Variant Classification Sherloc (09022015). Collection method: clinical testing. Allele origin: germline.
Comment: This sequence change replaces arginine, which is basic and polar, with histidine, which is basic and polar, at codon 318 of the OCRL protein (p.Arg318His). This variant is not present in population databases (gnomAD no frequency). This missense change has been observed in individual(s) with Dent disease (PMID: 19390221, 31674016). In at least one individual the variant was observed to be de novo. This variant is also known as p.Arg301His. ClinVar contains an entry for this variant (Variation ID: 1455667). Invitae Evidence Modeling of protein sequence and biophysical properties (such as structural, functional, and spatial information, amino acid conservation, physicochemical variation, residue mobility, and thermodynamic stability) indicates that this missense variant is not expected to disrupt OCRL protein function with a negative predictive value of 80%. This variant disrupts the p.Arg318 amino acid residue in OCRL. Other variant(s) that disrupt this residue have been observed in individuals with OCRL-related conditions (PMID: 15627218, 24081861, 27708066), which suggests that this may be a clinically significant amino acid residue. For these reasons, this variant has been classified as Pathogenic.

3billion
Classification: Likely pathogenic for OCRL-related disorder. Last evaluated: 2024-08-14. Review status: criteria provided, single submitter. Criteria: ACMG Guidelines, 2015. Collection method: clinical testing. Allele origin: germline. Affected: yes.
Comment: The variant is not observed in the gnomAD v4.0.0 dataset. Predicted Consequence/Location: Missense variant In silico tool predictions suggest damaging effect of the variant on gene or gene product [REVEL: 0.96 (>=0.6, sensitivity 0.68 and specificity 0.92); 3Cnet: 0.99 (>=0.6, sensitivity 0.72 and precision 0.9)]. The same nucleotide change resulting in the same amino acid change has been previously reported as pathogenic/likely pathogenic with strong evidence (ClinVar ID: VCV001455667 /PMID: 19390221). Different missense changes at the same codon (p.Arg318Cys, p.Arg318Leu, p.Arg318Ser) have been reported to be associated with OCRL related disorder (ClinVar ID: VCV000010861, VCV000562272 /PMID: 15627218, 27708066, 30586318). Therefore, this variant is classified as Likely pathogenic according to the recommendation of ACMG/AMP guideline.

Fulgent Genetics
Classification: Likely pathogenic for Dent disease type 2; Lowe syndrome. Last evaluated: 2024-02-09. Review status: criteria provided, single submitter. Criteria: ACMG Guidelines, 2015. Collection method: clinical testing. Allele origin: germline.

Literature cited by the submitters: PubMed 19390221 (cited by Labcorp Genetics (formerly Invitae), Labcorp and 3billion); PubMed 31674016 (cited by Labcorp Genetics (formerly Invitae), Labcorp); PubMed 15627218 (cited by Labcorp Genetics (formerly Invitae), Labcorp and 3billion); PubMed 24081861 (cited by Labcorp Genetics (formerly Invitae), Labcorp); PubMed 27708066 (cited by Labcorp Genetics (formerly Invitae), Labcorp).

NM_000276.4(OCRL):c.953G>A (p.Arg318His)

Gene: OCRL (OCRL inositol polyphosphate-5-phosphatase; plus strand). Cytogenetic location: Xq26.1.
Variant type: single nucleotide variant.
Coding change: c.953G>A on transcript NM_000276.4 (MANE Select); coding-DNA position 953, G replaced by A.
Protein change: p.Arg318His; replaces arginine 318 with histidine.
Molecular consequence: missense variant.
Genome position (GRCh38, 1-based): chrX:129,562,397, G>A. VCF-style: chrX-129562397-G-A. GRCh37 (hg19) VCF-style: chrX-128696374-G-A.
Other names: c.956G>A, p.Arg319His (NM_001318784.2); c.953G>A, p.Arg318His (NM_001587.4); short protein forms R318H, R319H.
Identifiers: ClinVar variation 1455667 (VCV001455667.11), dbSNP rs2124405779, ClinGen allele CA414552473.